The following is an entry in ClinVar:

NM_000257.4(MYH7):c.546A>G (p.Ala182=)

Gene: MYH7 (myosin heavy chain 7; minus strand). Cytogenetic location: 14q11.2.
Variant type: single nucleotide variant.
Coding change: c.546A>G on transcript NM_000257.4 (MANE Select); coding-DNA position 546, A replaced by G.
Protein change: p.Ala182=; no amino-acid change (alanine 182 retained).
Molecular consequence: synonymous variant.
Genome position (GRCh38, 1-based): chr14:23,431,854, T>C on the plus strand (A>G on the coding strand, the complement: MYH7 is on the minus strand). VCF-style: chr14-23431854-T-C. GRCh37 (hg19) VCF-style: chr14-23901063-T-C.
Other names: c.546A>G, p.Ala182= (NM_001407004.1).
Identifiers: ClinVar variation 3387358 (VCV003387358.1).

ClinVar aggregate classification (germline): Likely benign (1 of 4 stars; one submission).

Conditions:
Cardiomyopathy (CMYO). Also called: Cardiomyopathies. Identifiers: Orphanet 167848, MedGen C0878544, MONDO:0004994, HP:0001638. Inheritance: Various modes of inheritance.

Submission:

All of Us Research Program, National Institutes of Health
Classification: Likely benign for Cardiomyopathy. Last evaluated: 2024-04-16. Review status: criteria provided, single submitter. Criteria: ACMG Guidelines, 2015. Collection method: clinical testing. Allele origin: germline. Inheritance: Autosomal dominant inheritance. Observed: 1 variant allele, 1 heterozygote.
Comment: This study involves interpretation of variants in research participants for the purpose of population health screening. Participant phenotype was not available at the time of variant classification. Additional details can be found in publication PMID: 35346344, PMCID: PMC8962531